The following is an entry in ClinVar:

NM_177438.3(DICER1):c.5420C>T (p.Ala1807Val)

Gene: DICER1 (dicer 1, ribonuclease III; minus strand). Cytogenetic location: 14q32.13.
Variant type: single nucleotide variant.
Coding change: c.5420C>T on transcript NM_177438.3 (MANE Select); coding-DNA position 5420, C replaced by T.
Protein change: p.Ala1807Val; replaces alanine 1807 with valine.
Molecular consequence: missense variant. On other transcripts: non-coding transcript variant (6), intron variant (1).
Genome position (GRCh38, 1-based): chr14:95,091,310, G>A on the plus strand (C>T on the coding strand, the complement: DICER1 is on the minus strand). VCF-style: chr14-95091310-G-A. GRCh37 (hg19) VCF-style: chr14-95557647-G-A.
Other names: c.5420C>T, p.Ala1807Val (NM_001395682.1, NM_001395683.1, NM_001395684.1 and 8 more transcripts); c.5138C>T, p.Ala1713Val (NM_001395686.1); c.5015C>T, p.Ala1672Val (NM_001395687.1, NM_001395688.1, NM_001395689.1 and 1 more transcripts); c.4853C>T, p.Ala1618Val (NM_001395691.1); c.3737C>T, p.Ala1246Val (NM_001395697.1); c.5365-201C>T (NM_001195573.1); short protein forms A1807V, A1246V, A1672V, A1713V, A1618V.
Identifiers: ClinVar variation 2046771 (VCV002046771.4), dbSNP rs2542406854, ClinGen allele CA390864693.

ClinVar aggregate classification (germline): Uncertain significance (1 of 4 stars; one submission).

Conditions:
DICER1-related tumor predisposition. Also called: DICER1-related pleuropulmonary blastoma cancer predisposition syndrome; DICER1 syndrome. Identifiers: Orphanet 284343, MedGen C3839822, MONDO:0100216.

Submission:

Labcorp Genetics (formerly Invitae), Labcorp
Classification: Uncertain significance for DICER1-related tumor predisposition. Last evaluated: 2025-08-07. Review status: criteria provided, single submitter. Criteria: Invitae Variant Classification Sherloc (09022015). Collection method: clinical testing. Allele origin: germline.
Comment: This sequence change replaces alanine, which is neutral and non-polar, with valine, which is neutral and non-polar, at codon 1807 of the DICER1 protein (p.Ala1807Val). This variant is not present in population databases (gnomAD no frequency). This variant has not been reported in the literature in individuals affected with DICER1-related conditions. ClinVar contains an entry for this variant (Variation ID: 2046771). Invitae Evidence Modeling of protein sequence and biophysical properties (such as structural, functional, and spatial information, amino acid conservation, physicochemical variation, residue mobility, and thermodynamic stability) indicates that this missense variant is not expected to disrupt DICER1 protein function with a negative predictive value of 95%. In summary, the available evidence is currently insufficient to determine the role of this variant in disease. Therefore, it has been classified as a Variant of Uncertain Significance.